The following is an entry in ClinVar:

NM_198060.4(NRAP):c.3738C>A (p.His1246Gln)

Gene: NRAP (nebulin related anchoring protein; minus strand). Cytogenetic location: 10q25.3.
Variant type: single nucleotide variant.
Coding change: c.3738C>A on transcript NM_198060.4 (MANE Select); coding-DNA position 3738, C replaced by A.
Protein change: p.His1246Gln; replaces histidine 1246 with glutamine.
Molecular consequence: missense variant.
Genome position (GRCh38, 1-based): chr10:113,606,247, G>T on the plus strand (C>A on the coding strand, the complement: NRAP is on the minus strand). VCF-style: chr10-113606247-G-T. GRCh37 (hg19) VCF-style: chr10-115366006-G-T.
Other names: c.3738C>A, p.His1246Gln (NM_001261463.2); c.3630C>A, p.His1210Gln (NM_001322945.2); c.3633C>A, p.His1211Gln (NM_006175.5); short protein forms H1210Q, H1211Q, H1246Q.
Identifiers: ClinVar variation 4820432 (VCV004820432.1), dbSNP rs79461687.
Genomic context (GRCh38, chr10:113,606,247, plus strand): 5'-GTTGGCTGCATTCGTTTTTGCTCGGATGAACTCGGGCAGACCCAGGGTCATTGTATACTC[G>T]TGTCTTGCATCCTCTCCAGCTGCTTTATAGAGGCGCTAGGCCAAAAAAATATAATAATAA-3'
Protein context (NP_932326.2, residues 1236-1256): LYKAAGEDAR[His1246Gln]EYTMTLGLPE

ClinVar aggregate classification (germline): Likely benign (1 of 4 stars; one submission).

gnomAD v4.1: 900 of 1,613,964 alleles (0.056%); highest among the groups gnomAD compares: East Asian, 1.8%; 11 homozygotes.

Submission:

Molecular Diagnostic Laboratory for Inherited Cardiovascular Disease, Montreal Heart Institute
Classification: Likely benign. Last evaluated: 2026-03-27. Review status: criteria provided, single submitter. Criteria: ACMG Guidelines, 2015. Collection method: clinical testing. Allele origin: germline. Affected: no.
Comment: BS1;BP4